The following is an entry in ClinVar:

NM_001100.4(ACTA1):c.1049C>T (p.Ser350Leu)

Gene: ACTA1 (actin alpha 1, skeletal muscle; minus strand). Cytogenetic location: 1q42.13.
Variant type: single nucleotide variant.
Coding change: c.1049C>T on transcript NM_001100.4 (MANE Select); coding-DNA position 1049, C replaced by T.
Protein change: p.Ser350Leu; replaces serine 350 with leucine.
Molecular consequence: missense variant.
Genome position (GRCh38, 1-based): chr1:229,431,584, G>A on the plus strand (C>T on the coding strand, the complement: ACTA1 is on the minus strand). VCF-style: chr1-229431584-G-A. GRCh37 (hg19) VCF-style: chr1-229567331-G-A.
Other names: short protein forms S350L.
Identifiers: ClinVar variation 1457948 (VCV001457948.8), dbSNP rs2102735031, ClinGen allele CA345144616.

ClinVar aggregate classification (germline): Pathogenic (1 of 4 stars; one submission).

Conditions:
Actin accumulation myopathy (CMYO2A). Also called: CONGENITAL MYOPATHY 2A, TYPICAL, AUTOSOMAL DOMINANT; Nemaline myopathy type 3; Myopathy, actin, congenital, with excess of thin myofilaments; Myopathy, actin, congenital, with cores; Nemaline myopathy 3, with intranuclear rods. Identifiers: Orphanet 98904, MedGen C3711389, MONDO:0008070, OMIM 161800.

Submission:

Labcorp Genetics (formerly Invitae), Labcorp
Classification: Pathogenic for Actin accumulation myopathy. Last evaluated: 2022-07-05. Review status: criteria provided, single submitter. Criteria: Invitae Variant Classification Sherloc (09022015). Collection method: clinical testing. Allele origin: germline.
Comment: For these reasons, this variant has been classified as Pathogenic. This missense change has been observed in individual(s) with ACTA1-related conditions (PMID: 12921789, 28780987). In at least one individual the variant was observed to be de novo. This sequence change replaces serine, which is neutral and polar, with leucine, which is neutral and non-polar, at codon 350 of the ACTA1 protein (p.Ser350Leu). This variant is not present in population databases (gnomAD no frequency). This variant is also known as Ser348Leu. ClinVar contains an entry for this variant (Variation ID: 1457948). Advanced modeling of protein sequence and biophysical properties (such as structural, functional, and spatial information, amino acid conservation, physicochemical variation, residue mobility, and thermodynamic stability) performed at Invitae indicates that this missense variant is expected to disrupt ACTA1 protein function.

Literature cited by the submitters: PubMed 12921789; PubMed 28780987.